The following is an entry in ClinVar:

ClinVar aggregate classification (germline): Uncertain significance. Review status: criteria provided, multiple submitters, no conflicts (2 of 4 stars). 2 submissions from 2 submitters: Uncertain significance (2). Last evaluated 2023-07-24.

Conditions:
Retinitis pigmentosa (RP). Identifiers: Orphanet 791, MedGen C0035334, MeSH D012174, MONDO:0019200, OMIM 268000. Inheritance: Autosomal dominant, autosomal recessive and X linked inheritance.

Allele frequency attached by ClinVar (database versions not stated): gnomAD 0.00001; gnomAD exomes 0.00001.
gnomAD v4.1: 8 of 1,613,752 alleles (0.0005%); highest among the groups gnomAD compares: African/African-American, 0.0027%; no homozygotes.

Submissions (2):

Ophthalmic Genetics Group, Institute of Molecular and Clinical Ophthalmology Basel
Classification: Uncertain significance for Retinitis pigmentosa. Last evaluated: 2023-07-24. Review status: criteria provided, single submitter. Criteria: ACMG Guidelines, 2015. Collection method: research. Allele origin: germline. Affected: yes. Observed: 1 variant allele.
Comment: Clinical significance based on ACMG v2.0

This variant was classified as Uncertain significance based on ACMG criteria: PM2.

Blueprint Genetics
Classification: Uncertain significance. Last evaluated: 2022-01-25. Review status: criteria provided, single submitter. Criteria: ACMG Guidelines, 2015. Collection method: clinical testing. Allele origin: germline.

Literature cited by the submitters: PubMed 36909829 (cited by Ophthalmic Genetics Group, Institute of Molecular and Clinical Ophthalmology Basel).

NM_016247.4(IMPG2):c.2771A>G (p.Tyr924Cys)

Gene: IMPG2 (interphotoreceptor matrix proteoglycan 2; minus strand). Cytogenetic location: 3q12.3.
Variant type: single nucleotide variant.
Coding change: c.2771A>G on transcript NM_016247.4 (MANE Select); coding-DNA position 2771, A replaced by G.
Protein change: p.Tyr924Cys; replaces tyrosine 924 with cysteine.
Molecular consequence: missense variant.
Genome position (GRCh38, 1-based): chr3:101,243,560, T>C on the plus strand (A>G on the coding strand, the complement: IMPG2 is on the minus strand). VCF-style: chr3-101243560-T-C. GRCh37 (hg19) VCF-style: chr3-100962404-T-C.
Other names: NC_000003.11:g.100962404T>C; NP_057331.2:p.(Tyr924Cys); short protein forms Y924C.
Identifiers: ClinVar variation 2577518 (VCV002577518.3), dbSNP rs1266010569, ClinGen allele CA353855425.
Genomic context (GRCh38, chr3:101,243,560, plus strand): 5'-AGTGCCCATGTTTCACTTTTTATGCTTACCAATTCTAAGAATCTTTGCTCCAGGGCTTTA[T>C]ACTCCAAGGAGTTTTTATTAAACAGATCTTCTGAAAACATCATGTTAGTCACTCGGAGGC-3'
Protein context (NP_057331.2, residues 914-934): EDLFNKNSLE[Tyr924Cys]KALEQRFLEL